The following is an entry in ClinVar:

ClinVar aggregate classification (germline): Pathogenic. Review status: criteria provided, multiple submitters, no conflicts (2 of 4 stars). 2 submissions from 2 submitters: Pathogenic (2). Last evaluated 2025-01-15.

Conditions:
Hereditary breast ovarian cancer syndrome. Also called: Hereditary breast and ovarian cancer syndrome (HBOC); Breast and ovarian cancer; Hereditary breast and ovarian cancer syndrome; Hereditary breast and ovarian cancer; BRCA1- and BRCA2-Associated Hereditary Breast and Ovarian Cancer; Hereditary breast and/or ovarian cancer syndrome. Identifiers: Orphanet 145, MedGen C0677776, MeSH D061325, MONDO:0003582. Disease mechanism: loss of function.
Breast-ovarian cancer, familial, susceptibility to, 1 (BROVCA1). Also called: BRCA1 Hereditary Breast and Ovarian Cancer; OVARIAN CANCER, SUSCEPTIBILITY TO. Identifiers: Orphanet 145, MedGen C2676676, MONDO:0011450, OMIM 604370. Disease mechanism: loss of function.

Submissions (2):

Labcorp Genetics (formerly Invitae), Labcorp
Classification: Pathogenic for Hereditary breast ovarian cancer syndrome. Last evaluated: 2025-01-15. Review status: criteria provided, single submitter. Criteria: Invitae Variant Classification Sherloc (09022015). Collection method: clinical testing. Allele origin: germline.
Comment: This sequence change affects an acceptor splice site in intron 13 of the BRCA1 gene. RNA analysis indicates that disruption of this splice site induces altered splicing and may result in an absent or altered protein product. This variant is not present in population databases (gnomAD no frequency). Disruption of this splice site has been observed in individual(s) with breast and/or ovarian cancer (PMID: 12181777, 26622941, 27553291, 31528241, 34026625, 35377489). ClinVar contains an entry for this variant (Variation ID: 267551). Based on a multifactorial likelihood algorithm using genetic, in silico, and/or statistical data, this variant has been determined to have a high probability of being pathogenic (PMID: 31131967). Studies have shown that disruption of this splice site results in activation of a cryptic splice site, and produces a non-functional protein and/or introduces a premature termination codon (PMID: 31843900; internal data). For these reasons, this variant has been classified as Pathogenic.

Consortium of Investigators of Modifiers of BRCA1/2 (CIMBA), c/o University of Cambridge
Classification: Pathogenic for Breast-ovarian cancer, familial, susceptibility to, 1. Last evaluated: 2015-10-02. Review status: criteria provided, single submitter. Criteria: CIMBA Mutation Classification guidelines May 2016. Collection method: clinical testing. Allele origin: germline.

Literature cited by the submitters: PubMed 12181777 (cited by Labcorp Genetics (formerly Invitae), Labcorp); PubMed 26622941 (cited by Labcorp Genetics (formerly Invitae), Labcorp); PubMed 27553291 (cited by Labcorp Genetics (formerly Invitae), Labcorp); PubMed 31528241 (cited by Labcorp Genetics (formerly Invitae), Labcorp); PubMed 34026625 (cited by Labcorp Genetics (formerly Invitae), Labcorp); PubMed 35377489 (cited by Labcorp Genetics (formerly Invitae), Labcorp); PubMed 31131967 (cited by Labcorp Genetics (formerly Invitae), Labcorp); PubMed 31843900 (cited by Labcorp Genetics (formerly Invitae), Labcorp).

NM_007294.4(BRCA1):c.4485-1G>C

Gene: BRCA1 (BRCA1 DNA repair associated; minus strand). Cytogenetic location: 17q21.31.
Variant type: single nucleotide variant.
Coding change: c.4485-1G>C on transcript NM_007294.4 (MANE Select); the canonical splice acceptor site of the intron before coding-DNA position 4485, G replaced by C.
Molecular consequence: splice acceptor variant. On other transcripts: intron variant (3).
Genome position (GRCh38, 1-based): chr17:43,074,522, C>G on the plus strand (G>C on the coding strand, the complement: BRCA1 is on the minus strand). VCF-style: chr17-43074522-C-G. GRCh37 (hg19) VCF-style: chr17-41226539-C-G.
Other names: c.4146-1G>C (NM_001407957.1, NM_001407956.1, NM_001407958.1); c.4149-1G>C (NM_001407953.1, NM_001407954.1, NM_001407952.1 and 3 more transcripts); c.4152-1G>C (NM_001407949.1, NM_001407948.1, NM_001407947.1 and 1 more transcripts); c.849-1G>C (NM_001408506.1); c.963-1G>C (NM_001408481.1, NM_001408482.1, NM_001408489.1 and 5 more transcripts); c.966-1G>C (NM_001408480.1, NM_001408479.1, NM_001408478.1); c.4272-1G>C (NM_001407909.1, NM_001407906.1, NM_001407899.1 and 12 more transcripts); c.4275-1G>C (NM_001407887.1, NM_001407884.1, NM_001407879.1 and 5 more transcripts); and 71 more.
Identifiers: ClinVar variation 267551 (VCV000267551.7), dbSNP rs80358189, ClinGen allele CA10592559.